The following is an entry in ClinVar:

ClinVar aggregate classification (germline): Benign. Review status: criteria provided, multiple submitters, no conflicts (2 of 4 stars). 2 submissions from 2 submitters: Benign (2). Last evaluated 2026-01-07.

Allele frequency attached by ClinVar (database versions not stated): ESP Exome Variant Server 0.00500; gnomAD exomes 0.00094; ExAC 0.00118; gnomAD 0.00364 and 0.00392; TOPMed 0.00412; 1000 Genomes Project 0.00439; 1000 Genomes Project 30x 0.00468.
gnomAD v4.1: 1,023 of 1,601,280 alleles (0.064%); highest among the groups gnomAD compares: African/African-American, 1.2%; 10 homozygotes.

Submissions (2):

Labcorp Genetics (formerly Invitae), Labcorp
Classification: Benign. Last evaluated: 2026-01-07. Review status: criteria provided, single submitter. Criteria: Invitae Variant Classification Sherloc (09022015). Collection method: clinical testing. Allele origin: germline.

GeneDx
Classification: Benign. Last evaluated: 2015-04-20. Review status: criteria provided, single submitter. Criteria: GeneDx Variant Classification (06012015). Collection method: clinical testing. Allele origin: germline. Affected: yes.
Comment: This variant is considered likely benign or benign based on one or more of the following criteria: it is a conservative change, it occurs at a poorly conserved position in the protein, it is predicted to be benign by multiple in silico algorithms, and/or has population frequency not consistent with disease.

NM_032380.5(GFM2):c.1912+11C>T

Gene: GFM2 (GTP dependent ribosome recycling factor mitochondrial 2; minus strand). Cytogenetic location: 5q13.3.
Variant type: single nucleotide variant.
Coding change: c.1912+11C>T on transcript NM_032380.5 (MANE Select); 11 bases into the intron after coding-DNA position 1912, C replaced by T.
Molecular consequence: intron variant.
Genome position (GRCh38, 1-based): chr5:74,725,930, G>A on the plus strand (C>T on the coding strand, the complement: GFM2 is on the minus strand). VCF-style: chr5-74725930-G-A. GRCh37 (hg19) VCF-style: chr5-74021755-G-A.
Other names: c.1771+11C>T (NM_170691.3); c.2008+11C>T (NM_001281302.2).
Identifiers: ClinVar variation 377926 (VCV000377926.10), dbSNP rs115273629, ClinGen allele CA3306411.